The following is an entry in ClinVar:

ClinVar aggregate classification (germline): Uncertain significance (1 of 4 stars; one submission).

Conditions:
Familial thoracic aortic aneurysm and aortic dissection (TAAD). Also called: Thoracic aortic aneurysms and dissections. Identifiers: Orphanet 91387, MedGen C4707243, MONDO:0019625.

gnomAD v4.1: 1 of 1,613,556 alleles (0.000062%); highest among the groups gnomAD compares: Non-Finnish European, 0.000085%; no homozygotes.

Submission:

Ambry Genetics
Classification: Uncertain significance for Familial thoracic aortic aneurysm and aortic dissection. Last evaluated: 2026-02-19. Review status: criteria provided, single submitter. Criteria: Ambry Variant Classification Scheme 2023. Collection method: clinical testing. Allele origin: germline.
Comment: The p.S1347T variant (also known as c.4039T>A), located in coding exon 31 of the FBN2 gene, results from a T to A substitution at nucleotide position 4039. The serine at codon 1347 is replaced by threonine, an amino acid with similar properties. This amino acid position is conserved. In addition, this alteration is predicted to be deleterious by in silico analysis. Based on the available evidence, the clinical significance of this variant remains unclear.

NM_001999.4(FBN2):c.4039T>A (p.Ser1347Thr)

Gene: FBN2 (fibrillin 2; minus strand). Cytogenetic location: 5q23.3.
Variant type: single nucleotide variant.
Coding change: c.4039T>A on transcript NM_001999.4 (MANE Select); coding-DNA position 4039, T replaced by A.
Protein change: p.Ser1347Thr; replaces serine 1347 with threonine.
Molecular consequence: missense variant.
Genome position (GRCh38, 1-based): chr5:128,334,779, A>T on the plus strand (T>A on the coding strand, the complement: FBN2 is on the minus strand). VCF-style: chr5-128334779-A-T. GRCh37 (hg19) VCF-style: chr5-127670471-A-T.
Other names: short protein forms S1347T.
Identifiers: ClinVar variation 4844437 (VCV004844437.1).